The following is an entry in ClinVar:

ClinVar aggregate classification (germline): Likely pathogenic (1 of 4 stars; one submission).

Conditions:
Retinitis pigmentosa (RP). Identifiers: Orphanet 791, MedGen C0035334, MeSH D012174, MONDO:0019200, OMIM 268000. Inheritance: Autosomal dominant, autosomal recessive and X linked inheritance.

Submission:

Lab De Baere, Eye and Developmental Genetics Lab, Ghent University
Classification: Likely pathogenic for Retinitis pigmentosa. Last evaluated: 2024-10-01. Review status: criteria provided, single submitter. Criteria: ACMG Guidelines, 2015. Collection method: research. Allele origin: inherited. Affected: yes. Observed: 1 variant allele.
Comment: ACMG/AMP guidelines: PM2, PP3, PP1, PM3_2

NM_033100.4(CDHR1):c.1486G>C (p.Ala496Pro)

Gene: CDHR1 (cadherin related family member 1; plus strand). Cytogenetic location: 10q23.1.
Variant type: single nucleotide variant.
Coding change: c.1486G>C on transcript NM_033100.4 (MANE Select); coding-DNA position 1486, G replaced by C.
Protein change: p.Ala496Pro; replaces alanine 496 with proline.
Molecular consequence: missense variant.
Genome position (GRCh38, 1-based): chr10:84,211,648, G>C. VCF-style: chr10-84211648-G-C. GRCh37 (hg19) VCF-style: chr10-85971404-G-C.
Other names: c.1486G>C, p.Ala496Pro (NM_001171971.3); short protein forms A496P.
Identifiers: ClinVar variation 3544439 (VCV003544439.1).